The following is an entry in ClinVar:

NM_001099922.3(ALG13):c.716A>G (p.Asp239Gly)

Gene: ALG13 (ALG13 UDP-N-acetylglucosaminyltransferase subunit; plus strand). Cytogenetic location: Xq23.
Variant type: single nucleotide variant.
Coding change: c.716A>G on transcript NM_001099922.3 (MANE Select); coding-DNA position 716, A replaced by G.
Protein change: p.Asp239Gly; replaces aspartic acid 239 with glycine.
Molecular consequence: missense variant. On other transcripts: non-coding transcript variant (1).
Genome position (GRCh38, 1-based): chrX:111,708,359, A>G. VCF-style: chrX-111708359-A-G. GRCh37 (hg19) VCF-style: chrX-110951587-A-G.
Other names: c.404A>G, p.Asp135Gly (NM_001257230.2, NM_001257234.2, NM_001257237.2 and 1 more transcripts); c.482A>G, p.Asp161Gly (NM_001257231.2); c.716A>G, p.Asp239Gly (NM_001324292.2); short protein forms D135G, D161G, D239G.
Identifiers: ClinVar variation 853690 (VCV000853690.10), dbSNP rs1939143318, ClinGen allele CA414249915.

ClinVar aggregate classification (germline): Uncertain significance (1 of 4 stars; one submission).

Conditions:
Developmental and epileptic encephalopathy, 36 (DEE36). Also called: Epileptic encephalopathy, early infantile, 36; Congenital disorder of glycosylation, type Is; ALG13-CDG. Identifiers: Orphanet 324422, MedGen C4317295, MONDO:0010472, OMIM 300884.

Submission:

Labcorp Genetics (formerly Invitae), Labcorp
Classification: Uncertain significance for Developmental and epileptic encephalopathy, 36. Last evaluated: 2023-10-13. Review status: criteria provided, single submitter. Criteria: Invitae Variant Classification Sherloc (09022015). Collection method: clinical testing. Allele origin: germline.
Comment: This sequence change replaces aspartic acid, which is acidic and polar, with glycine, which is neutral and non-polar, at codon 239 of the ALG13 protein (p.Asp239Gly). This variant is not present in population databases (gnomAD no frequency). This variant has not been reported in the literature in individuals affected with ALG13-related conditions. ClinVar contains an entry for this variant (Variation ID: 853690). Advanced modeling of protein sequence and biophysical properties (such as structural, functional, and spatial information, amino acid conservation, physicochemical variation, residue mobility, and thermodynamic stability) performed at Invitae indicates that this missense variant is not expected to disrupt ALG13 protein function. In summary, the available evidence is currently insufficient to determine the role of this variant in disease. Therefore, it has been classified as a Variant of Uncertain Significance.